The following is an entry in ClinVar:

NM_001127222.2(CACNA1A):c.1898A>G (p.Gln633Arg)

Gene: CACNA1A (calcium voltage-gated channel subunit alpha1 A; minus strand). Cytogenetic location: 19p13.13.
Variant type: single nucleotide variant.
Coding change: c.1898A>G on transcript NM_001127222.2 (MANE Select); coding-DNA position 1898, A replaced by G.
Protein change: p.Gln633Arg; replaces glutamine 633 with arginine.
Molecular consequence: missense variant.
Genome position (GRCh38, 1-based): chr19:13,308,135, T>C on the plus strand (A>G on the coding strand, the complement: CACNA1A is on the minus strand). VCF-style: chr19-13308135-T-C. GRCh37 (hg19) VCF-style: chr19-13418949-T-C.
Other names: c.1901A>G, p.Gln634Arg (NM_000068.4, NM_001127221.2, NM_001174080.2 and 1 more transcripts); short protein forms Q634R, Q633R.
Identifiers: ClinVar variation 1027684 (VCV001027684.2), dbSNP rs2057946815, ClinGen allele CA404344743.

ClinVar aggregate classification (germline): Uncertain significance. Review status: criteria provided, multiple submitters, no conflicts (2 of 4 stars). 2 submissions from 2 submitters: Uncertain significance (2). Last evaluated 2025-05-01.

Conditions:
Developmental and epileptic encephalopathy, 42 (DEE42A). Also called: DEVELOPMENTAL AND EPILEPTIC ENCEPHALOPATHY 42A; EPILEPTIC ENCEPHALOPATHY, EARLY INFANTILE, 42A; Epileptic encephalopathy, early infantile, 42. Identifiers: MedGen C4310716, MONDO:0014917, OMIM 617106.

Submissions (2):

GeneDx
Classification: Uncertain significance. Last evaluated: 2025-05-01. Review status: criteria provided, single submitter. Criteria: GeneDx Variant Classification Process June 2021. Collection method: clinical testing. Allele origin: germline. Affected: yes.
Comment: Not observed at significant frequency in large population cohorts (gnomAD); In silico analysis supports that this missense variant has a deleterious effect on protein structure/function; Has not been previously published as pathogenic or benign to our knowledge

Baylor Genetics
Classification: Uncertain significance for Developmental and epileptic encephalopathy, 42. Last evaluated: 2020-03-12. Review status: criteria provided, single submitter. Criteria: ACMG Guidelines, 2015. Collection method: clinical testing. Allele origin: unknown. Affected: yes.
Comment: This variant was determined to be of uncertain significance according to ACMG Guidelines, 2015 [PMID:25741868].